The following is an entry in ClinVar:

ClinVar aggregate classification (germline): Uncertain significance (1 of 4 stars; one submission).

Conditions:
Cone-rod dystrophy 2 (CORD2). Also called: CONE-ROD RETINAL DYSTROPHY; Cone-rod retinal dystrophy 2. Identifiers: Orphanet 1872, MedGen C3489532, MONDO:0007362, OMIM 120970.
Leber congenital amaurosis 7 (LCA7). Identifiers: Orphanet 65, MedGen C3151192, MONDO:0013449, OMIM 613829.

Allele frequency attached by ClinVar (database versions not stated): gnomAD exomes 0.00001.
gnomAD v4.1: 8 of 1,613,766 alleles (0.0005%); highest among the groups gnomAD compares: Non-Finnish European, 0.00068%; no homozygotes.

Submission:

Labcorp Genetics (formerly Invitae), Labcorp
Classification: Uncertain significance for Cone-rod dystrophy 2; Leber congenital amaurosis 7. Last evaluated: 2022-06-27. Review status: criteria provided, single submitter. Criteria: Invitae Variant Classification Sherloc (09022015). Collection method: clinical testing. Allele origin: germline.
Comment: This sequence change replaces alanine, which is neutral and non-polar, with threonine, which is neutral and polar, at codon 29 of the CRX protein (p.Ala29Thr). This variant is not present in population databases (gnomAD no frequency). This variant has not been reported in the literature in individuals affected with CRX-related conditions. Algorithms developed to predict the effect of missense changes on protein structure and function are either unavailable or do not agree on the potential impact of this missense change (SIFT: "Deleterious"; PolyPhen-2: "Benign"; Align-GVGD: "Class C55"). In summary, the available evidence is currently insufficient to determine the role of this variant in disease. Therefore, it has been classified as a Variant of Uncertain Significance.

NM_000554.6(CRX):c.85G>A (p.Ala29Thr)

Gene: CRX (cone-rod homeobox; plus strand). Cytogenetic location: 19q13.33.
Variant type: single nucleotide variant.
Coding change: c.85G>A on transcript NM_000554.6 (MANE Select); coding-DNA position 85, G replaced by A.
Protein change: p.Ala29Thr; replaces alanine 29 with threonine.
Molecular consequence: missense variant.
Genome position (GRCh38, 1-based): chr19:47,834,528, G>A. VCF-style: chr19-47834528-G-A. GRCh37 (hg19) VCF-style: chr19-48337785-G-A.
Other names: short protein forms A29T.
Identifiers: ClinVar variation 2152597 (VCV002152597.4), dbSNP rs2514250194, ClinGen allele CA406629091.